The following is an entry in ClinVar:

ClinVar aggregate classification (germline): Uncertain significance (1 of 4 stars; one submission).

Submission:

Women's Health and Genetics/Laboratory Corporation of America, LabCorp
Classification: Uncertain significance. Last evaluated: 2022-03-02. Review status: criteria provided, single submitter. Criteria: LabCorp Variant Classification Summary - May 2015. Collection method: clinical testing. Allele origin: germline.
Comment: Variant summary: The variant identified by MLPA or other technology involves the duplication of the entire GUSB gene. A presumed nomenclature of c.(?_-132)_(*214_?)dup has been designated for the purposes of this classification. It has been assumed that this is a tandem duplication in direct orientation (Richardson_GIM_2018, Newman_AJHG_2015). The variant was absent in 21694 control chromosomes (gnomAD, Structural Variants dataset). The available data on variant occurrences in the general population are insufficient to allow any conclusion about variant significance. To our knowledge, no occurrence of c.(?_-132)_(*214_?)dup in individuals affected with Mucopolysaccharidosis Type VII (Sly Syndrome) and no experimental evidence demonstrating its impact on protein function have been reported. A ClinVar submitter (evaluation after 2014) cites the variant as uncertain significance. Based on the evidence outlined above, the variant was classified as uncertain significance.

NC_000007.13:g.(?_65425670)_(65447302_?)dup

Gene: GUSB (glucuronidase beta; minus strand). Cytogenetic location: 7q11.21.
Variant type: Duplication.
Identifiers: ClinVar variation 1677099 (VCV001677099.1).